The following is an entry in ClinVar:

NM_006017.3(PROM1):c.752C>T (p.Pro251Leu)

Gene: PROM1 (prominin 1; minus strand). Cytogenetic location: 4p15.32.
Variant type: single nucleotide variant.
Coding change: c.752C>T on transcript NM_006017.3 (MANE Select); coding-DNA position 752, C replaced by T.
Protein change: p.Pro251Leu; replaces proline 251 with leucine.
Molecular consequence: missense variant.
Genome position (GRCh38, 1-based): chr4:16,023,358, G>A on the plus strand (C>T on the coding strand, the complement: PROM1 is on the minus strand). VCF-style: chr4-16023358-G-A. GRCh37 (hg19) VCF-style: chr4-16024981-G-A.
Other names: c.725C>T, p.Pro242Leu (NM_001145847.2, NM_001145848.2, NM_001145851.2 and 4 more transcripts); c.752C>T, p.Pro251Leu (NM_001145849.2, NM_001145850.2); short protein forms P242L, P251L.
Identifiers: ClinVar variation 1713595 (VCV001713595.6), dbSNP rs1462892372, ClinGen allele CA356422757.

ClinVar aggregate classification (germline): Uncertain significance. Review status: criteria provided, multiple submitters, no conflicts (2 of 4 stars). 2 submissions from 2 submitters: Uncertain significance (2). Last evaluated 2024-08-11.

gnomAD v4.1: 1 of 1,607,682 alleles (0.000062%); highest among the groups gnomAD compares: Admixed American, 0.0017%; no homozygotes.

Submissions (2):

Blueprint Genetics
Classification: Uncertain significance. Last evaluated: 2024-08-11. Review status: criteria provided, single submitter. Criteria: ACMG Guidelines, 2015. Collection method: clinical testing. Allele origin: germline.

Labcorp Genetics (formerly Invitae), Labcorp
Classification: Uncertain significance. Last evaluated: 2022-07-23. Review status: criteria provided, single submitter. Criteria: Invitae Variant Classification Sherloc (09022015). Collection method: clinical testing. Allele origin: germline.
Comment: In summary, the available evidence is currently insufficient to determine the role of this variant in disease. Therefore, it has been classified as a Variant of Uncertain Significance. This sequence change replaces proline, which is neutral and non-polar, with leucine, which is neutral and non-polar, at codon 251 of the PROM1 protein (p.Pro251Leu). This variant is not present in population databases (gnomAD no frequency). This variant has not been reported in the literature in individuals affected with PROM1-related conditions. Algorithms developed to predict the effect of missense changes on protein structure and function are either unavailable or do not agree on the potential impact of this missense change (SIFT: "Deleterious"; PolyPhen-2: "Probably Damaging"; Align-GVGD: "Class C0").